The following is an entry in ClinVar:

NM_000426.4(LAMA2):c.8206_8209del (p.Thr2736fs)

Gene: LAMA2 (laminin subunit alpha 2; plus strand). Cytogenetic location: 6q22.33.
Variant type: Deletion.
Coding change: c.8206_8209del on transcript NM_000426.4 (MANE Select); coding-DNA positions 8206 to 8209, 4 bases deleted (ACCC; older notation c.8206_8209delACCC).
Protein change: p.Thr2736fs; shifts the reading frame from threonine 2736.
Molecular consequence: frameshift variant.
Genome position (GRCh38, 1-based): chr6:129,492,445-129,492,448, ACCC deleted; deleting any 4 consecutive bases within chr6:129,492,442-129,492,448 gives the same sequence; the c. name uses the placement nearest the transcript's 3' end. VCF-style (leftmost placement, unchanged base first): chr6-129492441-TCCCA-T. GRCh37 (hg19) VCF-style: chr6-129813586-TCCCA-T.
Other names: c.8194_8197del, p.Thr2732fs (NM_001079823.2); short protein forms T2732fs, T2736fs.
Identifiers: ClinVar variation 1726325 (VCV001726325.3), dbSNP rs2533506263, ClinGen allele CA2580075001.

ClinVar aggregate classification (germline): Likely pathogenic (1 of 4 stars; one submission).

Conditions:
LAMA2-related muscular dystrophy (LAMA2-RD). Also called: Laminin alpha 2-related dystrophy. Identifiers: MedGen C5679788, MONDO:0100228.

Submission:

Myriad Genetics, Inc.
Classification: Likely pathogenic for LAMA2-related muscular dystrophy. Last evaluated: 2021-12-16. Review status: criteria provided, single submitter. Criteria: Myriad Autosomal Dominant, Autosomal Recessive and X-Linked Classification Criteria (2023). Collection method: clinical testing. Allele origin: unknown.
Comment: NM_000426.3(LAMA2):c.8206_8209delACCC(T2736Qfs*10) is expected to be pathogenic in the context of muscular dystrophy, LAMA2-related. This variant is predicted to lead to an abnormal or absent protein product due to the creation of a premature termination codon in LAMA2, a gene where loss-of-function variants are known to be pathogenic. Please note: this variant was assessed in the context of healthy population screening.